The following is an entry in ClinVar:

ClinVar aggregate classification (germline): Uncertain significance (1 of 4 stars; one submission).

Conditions:
Hypertrophic cardiomyopathy. Also called: HYPERTROPHIC MYOCARDIOPATHY. Identifiers: Orphanet 217569, MedGen C0007194, MeSH D002312, MONDO:0005045, HP:0001639.

Submission:

Labcorp Genetics (formerly Invitae), Labcorp
Classification: Uncertain significance for Hypertrophic cardiomyopathy. Last evaluated: 2025-11-04. Review status: criteria provided, single submitter. Criteria: Invitae Variant Classification Sherloc (09022015). Collection method: clinical testing. Allele origin: germline.
Comment: This sequence change replaces serine, which is neutral and polar, with cysteine, which is neutral and slightly polar, at codon 1476 of the MYH7 protein (p.Ser1476Cys). This variant is not present in population databases (gnomAD no frequency). This variant has not been reported in the literature in individuals affected with MYH7-related conditions. Invitae Evidence Modeling of protein sequence and biophysical properties (such as structural, functional, and spatial information, amino acid conservation, physicochemical variation, residue mobility, and thermodynamic stability) has been performed for this missense variant. However, the output from this modeling did not meet the statistical confidence thresholds required to predict the impact of this variant on MYH7 protein function. In summary, the available evidence is currently insufficient to determine the role of this variant in disease. Therefore, it has been classified as a Variant of Uncertain Significance.

NM_000257.4(MYH7):c.4427C>G (p.Ser1476Cys)

Genes: MHRT (myosin heavy chain associated RNA transcript; plus strand), MYH7 (myosin heavy chain 7; minus strand). Cytogenetic location: 14q11.2.
Variant type: single nucleotide variant.
Coding change: c.4427C>G on transcript NM_000257.4 (MANE Select); coding-DNA position 4427, C replaced by G.
Protein change: p.Ser1476Cys; replaces serine 1476 with cysteine.
Molecular consequence: missense variant. On other transcripts: non-coding transcript variant (1).
Genome position (GRCh38, 1-based): chr14:23,417,245, G>C on the plus strand (C>G on the coding strand, the complement: MYH7 is on the minus strand). VCF-style: chr14-23417245-G-C. GRCh37 (hg19) VCF-style: chr14-23886454-G-C.
Other names: c.4427C>G, p.Ser1476Cys (NM_001407004.1); short protein forms S1476C.
Identifiers: ClinVar variation 4747925 (VCV004747925.1).